The following is an entry in ClinVar:

ClinVar aggregate classification (germline): Pathogenic (1 of 4 stars; one submission).

Submission:

Labcorp Genetics (formerly Invitae), Labcorp
Classification: Pathogenic. Last evaluated: 2021-01-15. Review status: criteria provided, single submitter. Criteria: Invitae Variant Classification Sherloc (09022015). Collection method: clinical testing. Allele origin: germline.
Comment: For these reasons, this variant has been classified as Pathogenic. This variant disrupts the p.Gly909 amino acid residue in COL2A1. Other variant(s) that disrupt this residue have been determined to be pathogenic (PMID: 27059630, 7550321). This suggests that this residue is clinically significant, and that variants that disrupt this residue are likely to be disease-causing. This variant disrupts the triple helix domain of COL2A1. Glycine residues within the Gly-Xaa-Yaa repeats of the triple helix domain are required for the structure and stability of fibrillar collagens (PMID: 7695699, 8218237, 19344236). In COL2A1, variants affecting these glycine residues are significantly enriched in individuals with disease (PMID: 9016532, 17078022) compared to the general population (ExAC). Advanced modeling of protein sequence and biophysical properties (such as structural, functional, and spatial information, amino acid conservation, physicochemical variation, residue mobility, and thermodynamic stability) performed at Invitae indicates that this missense variant is expected to disrupt COL2A1 protein function. This variant has been observed in individual(s) with clinical features of COL2A1-related conditions (Invitae). This variant is not present in population databases (ExAC no frequency). This sequence change replaces glycine with alanine at codon 909 of the COL2A1 protein (p.Gly909Ala). The glycine residue is highly conserved and there is a small physicochemical difference between glycine and alanine.

Literature cited by the submitters: PubMed 27059630; PubMed 7550321; PubMed 7695699; PubMed 8218237; PubMed 19344236; PubMed 9016532; PubMed 17078022.

NM_001844.5(COL2A1):c.2726G>C (p.Gly909Ala)

Gene: COL2A1 (collagen type II alpha 1 chain; minus strand). Cytogenetic location: 12q13.11.
Variant type: single nucleotide variant.
Coding change: c.2726G>C on transcript NM_001844.5 (MANE Select); coding-DNA position 2726, G replaced by C.
Protein change: p.Gly909Ala; replaces glycine 909 with alanine.
Molecular consequence: missense variant.
Genome position (GRCh38, 1-based): chr12:47,979,518, C>G on the plus strand (G>C on the coding strand, the complement: COL2A1 is on the minus strand). VCF-style: chr12-47979518-C-G. GRCh37 (hg19) VCF-style: chr12-48373301-C-G.
Other names: c.2519G>C, p.Gly840Ala (NM_033150.3); short protein forms G840A, G909A.
Identifiers: ClinVar variation 1067521 (VCV001067521.9), dbSNP rs2136532206, ClinGen allele CA384543800.